The following is an entry in ClinVar:

NM_005026.5(PIK3CD):c.1337C>T (p.Pro446Leu)

Genes: PIK3CD (phosphatidylinositol-4,5-bisphosphate 3-kinase catalytic subunit delta; plus strand), LOC126805612 (MED14-independent group 3 enhancer GRCh37_chr1:9778914-9780113; plus strand). Cytogenetic location: 1p36.22.
Variant type: single nucleotide variant.
Coding change: c.1337C>T on transcript NM_005026.5 (MANE Select); coding-DNA position 1337, C replaced by T.
Protein change: p.Pro446Leu; replaces proline 446 with leucine.
Molecular consequence: missense variant.
Genome position (GRCh38, 1-based): chr1:9,720,015, C>T. VCF-style: chr1-9720015-C-T. GRCh37 (hg19) VCF-style: chr1-9780073-C-T.
Other names: c.1337C>T, p.Pro446Leu (NM_001350234.2); c.1250C>T, p.Pro417Leu (NM_001350235.1); short protein forms P417L, P446L.
Identifiers: ClinVar variation 3649342 (VCV003649342.2).

ClinVar aggregate classification (germline): Uncertain significance (1 of 4 stars; one submission).

Conditions:
Immunodeficiency 14 (IMD14A). Also called: IMMUNODEFICIENCY 14A WITH LYMPHOPROLIFERATION, AUTOSOMAL DOMINANT; p110-DELTA-ACTIVATING MUTATION CAUSING SENESCENT T CELLS, LYMPHADENOPATHY, AND IMMUNODEFICIENCY; ACTIVATED PI3K-DELTA SYNDROME 1; Activated PI3K Delta Syndrome Type 1 (APDS1). Identifiers: Orphanet 397596, Orphanet 693661, MedGen C5907821, MONDO:0014222, OMIM 615513.

Submission:

Labcorp Genetics (formerly Invitae), Labcorp
Classification: Uncertain significance for Activated PI3K-delta syndrome. Last evaluated: 2024-04-09. Review status: criteria provided, single submitter. Criteria: Invitae Variant Classification Sherloc (09022015). Collection method: clinical testing. Allele origin: germline.
Comment: This sequence change replaces proline, which is neutral and non-polar, with leucine, which is neutral and non-polar, at codon 446 of the PIK3CD protein (p.Pro446Leu). This variant is not present in population databases (gnomAD no frequency). This variant has not been reported in the literature in individuals affected with PIK3CD-related conditions. An algorithm developed to predict the effect of missense changes on protein structure and function (PolyPhen-2) suggests that this variant is likely to be disruptive. In summary, the available evidence is currently insufficient to determine the role of this variant in disease. Therefore, it has been classified as a Variant of Uncertain Significance.